The following is an entry in ClinVar:

ClinVar aggregate classification (germline): Uncertain significance (1 of 4 stars; one submission).

Submission:

ARUP Laboratories, Molecular Genetics and Genomics, ARUP Laboratories
Classification: Uncertain significance. Last evaluated: 2024-12-19. Review status: criteria provided, single submitter. Criteria: ARUP Molecular Germline Variant Investigation Process 2024. Collection method: clinical testing. Allele origin: germline.
Comment: The WNK1 c.2477C>T; p.Pro826Leu variant, also known as c.3613-1045C>T for NM_001184985.1, to our knowledge, is not reported in the medical literature or gene specific databases. This variant is also absent from the Genome Aggregation Database (v2.1.1), indicating it is not a common polymorphism. Computational analyses predict that this variant is neutral (REVEL: 0.14). Due to limited information, the clinical significance of this variant is uncertain at this time.

NM_018979.4(WNK1):c.2477C>T (p.Pro826Leu)

Gene: WNK1 (WNK lysine deficient protein kinase 1; plus strand). Cytogenetic location: 12p13.33.
Variant type: single nucleotide variant.
Coding change: c.2477C>T on transcript NM_018979.4 (MANE Select); coding-DNA position 2477, C replaced by T.
Protein change: p.Pro826Leu; replaces proline 826 with leucine.
Molecular consequence: missense variant. On other transcripts: intron variant (3).
Genome position (GRCh38, 1-based): chr12:879,676, C>T. VCF-style: chr12-879676-C-T. GRCh37 (hg19) VCF-style: chr12-988842-C-T.
Other names: c.3867+1315C>T (NM_213655.5); c.3613-1045C>T (NM_001184985.2); c.2370+1315C>T (NM_014823.3); short protein forms P826L.
Identifiers: ClinVar variation 4685769 (VCV004685769.1).
Genomic context (GRCh38, chr12:879,676, plus strand): 5'-AGATCCCAGTTGCGACACAACCCTCGGTTGTTCCAGTCCACTCTGGTGCTCATTTCCTTC[C>T]AGTGGGACAGCCGCTCCCTACTCCCTTGCTCCCTCAGTACCCTGTCTCTCAGATTCCCAT-3'
Protein context (NP_061852.3, residues 816-836): VPVHSGAHFL[Pro826Leu]VGQPLPTPLL